The following is an entry in ClinVar:

NM_001040716.2(PC):c.1-37A>C

Gene: PC (pyruvate carboxylase; minus strand). Cytogenetic location: 11q13.2.
Variant type: single nucleotide variant.
Coding change: c.1-37A>C on transcript NM_001040716.2 (MANE Select); 37 bases into the intron before coding-DNA position 1, A replaced by C.
Molecular consequence: intron variant.
Genome position (GRCh38, 1-based): chr11:66,872,196, T>G on the plus strand (A>C on the coding strand, the complement: PC is on the minus strand). VCF-style: chr11-66872196-T-G. GRCh37 (hg19) VCF-style: chr11-66639667-T-G.
Other names: c.1-37A>C (NM_000920.4, NM_022172.3).
Identifiers: ClinVar variation 511818 (VCV000511818.1), dbSNP rs781186745, ClinGen allele CA6132324.
Genomic context (GRCh38, chr11:66,872,196, plus strand): 5'-ATGGACTGTTCGGAACTTCAGCATCTAGGGAGGGAAGTTAGAGCCCAGGTTAGCGCAGCC[T>G]CAGCACTGAGGCTCCTCAGAATGAGTGAGGGCCCTTCCCAACCCCACAGTGGCCCCACAG-3'

ClinVar aggregate classification (germline): Likely benign (1 of 4 stars; one submission).

Allele frequency attached by ClinVar (database versions not stated): ExAC below 0.00001; gnomAD exomes below 0.00001; TOPMed 0.00001.
gnomAD v4.1: 6 of 1,561,812 alleles (0.00038%); highest among the groups gnomAD compares: Non-Finnish European, 0.00043%; no homozygotes.

Submission:

GeneDx
Classification: Likely benign. Last evaluated: 2017-09-19. Review status: criteria provided, single submitter. Criteria: GeneDx Variant Classification (06012015). Collection method: clinical testing. Allele origin: germline. Affected: yes.
Comment: This variant is considered likely benign or benign based on one or more of the following criteria: it is a conservative change, it occurs at a poorly conserved position in the protein, it is predicted to be benign by multiple in silico algorithms, and/or has population frequency not consistent with disease.